The following is an entry in ClinVar:

NM_000521.4(HEXB):c.1287T>G (p.Tyr429Ter)

Gene: HEXB (hexosaminidase subunit beta; plus strand). Cytogenetic location: 5q13.3.
Variant type: single nucleotide variant.
Coding change: c.1287T>G on transcript NM_000521.4 (MANE Select); coding-DNA position 1287, T replaced by G.
Protein change: p.Tyr429Ter; replaces tyrosine 429 with a stop codon.
Molecular consequence: nonsense.
Genome position (GRCh38, 1-based): chr5:74,718,841, T>G. VCF-style: chr5-74718841-T-G. GRCh37 (hg19) VCF-style: chr5-74014666-T-G.
Other names: c.612T>G, p.Tyr204Ter (NM_001292004.2); short protein forms Y204*, Y429*.
Identifiers: ClinVar variation 984370 (VCV000984370.3), dbSNP rs1749739842, ClinGen allele CA360070250.
Genomic context (GRCh38, chr5:74,718,841, plus strand): 5'-TTTGTAACGTTAATAGCTTGCGCCGGGCACAATAGTTGAAGTATGGAAAGACAGCGCATA[T>G]CCTGAGGAACTCAGTAGAGTCACAGCATCTGGCTTCCCTGTAATCCTTTCTGCTCCTTGG-3'

ClinVar aggregate classification (germline): Likely pathogenic (1 of 4 stars; one submission).

Conditions:
Sandhoff disease. Also called: GM2-GANGLIOSIDOSIS, TYPE II; Beta-hexosaminidase-beta-subunit deficiency; GM2 gangliosidosis, type 2; Total hexosaminidase deficiency; Sandhoff-Jatzkewitz-Pilz disease; HEXOSAMINIDASES A AND B DEFICIENCY. Identifiers: Orphanet 796, MedGen C0036161, MONDO:0010006, OMIM 268800.

Allele frequency attached by ClinVar (database versions not stated): gnomAD 0.00001.
gnomAD v4.1: 1 of 1,614,080 alleles (0.000062%); highest among the groups gnomAD compares: African/African-American, 0.0013%; no homozygotes.

Submission:

Myriad Genetics, Inc.
Classification: Likely pathogenic for Sandhoff disease. Last evaluated: 2019-08-11. Review status: criteria provided, single submitter. Criteria: Myriad Women's Health Autosomal Recessive and X-Linked Classification Criteria (2019). Collection method: clinical testing. Allele origin: unknown.
Comment: NM_000521.3(HEXB):c.1287T>G(Y429*) is expected to be pathogenic in the context of Sandhoff disease. This variant is predicted to lead to an abnormal or absent protein product due to the creation of a premature termination codon in HEXB, a gene where loss-of-function variants are known to be pathogenic. Please note: this variant was assessed in the context of healthy population screening.